The following is an entry in ClinVar:

NM_000179.3(MSH6):c.538_540delinsAAC (p.Asp180Asn)

Gene: MSH6 (mutS homolog 6; plus strand). Cytogenetic location: 2p16.3.
Variant type: Indel.
Coding change: c.538_540delinsAAC on transcript NM_000179.3 (MANE Select); coding-DNA positions 538 to 540, GAT replaced by AAC.
Protein change: p.Asp180Asn; replaces aspartic acid 180 with asparagine.
Molecular consequence: missense variant. On other transcripts: 5 prime UTR variant (1), intron variant (2).
Genome position (GRCh38, 1-based): chr2:47,795,974-47,795,976, GAT replaced by AAC. VCF-style: chr2-47795974-GAT-AAC. GRCh37 (hg19) VCF-style: chr2-48023113-GAT-AAC.
Other names: c.538_540delGATinsAAC (NM_000179.2); c.-365_-363delinsAAC (NM_001281494.2); c.-279-2637_-279-2635delinsAAC (NM_001281493.2); c.238-2637_238-2635delinsAAC (NM_001281492.2); short protein forms D180N.
Identifiers: ClinVar variation 485859 (VCV000485859.6), dbSNP rs1553411441, ClinGen allele CA658655696.

ClinVar aggregate classification (germline): Uncertain significance (1 of 4 stars; one submission).

Conditions:
Hereditary cancer-predisposing syndrome. Also called: Tumor predisposition; Hereditary Cancer Syndrome; Hereditary neoplastic syndrome; Neoplastic Syndromes, Hereditary. Identifiers: Orphanet 140162, MedGen C0027672, MeSH D009386, MONDO:0015356.

Submission:

Ambry Genetics
Classification: Uncertain significance for Hereditary cancer-predisposing syndrome. Last evaluated: 2024-11-26. Review status: criteria provided, single submitter. Criteria: Ambry Variant Classification Scheme 2023. Collection method: clinical testing. Allele origin: germline.
Comment: The c.538_540delGATinsAAC variant (also known as p.D180N), located in coding exon 3 of the MSH6 gene, results from an in-frame deletion of GAT and insertion of AAC at nucleotide positions 538 to 540. This results in the substitution of the aspartate residue for a asparagine residue at codon 180, an amino acid with highly similar properties. This amino acid position is highly conserved in available vertebrate species. In addition, this alteration is predicted to be neutral by in silico analysis (Choi Y et al. PLoS ONE. 2012; 7(10):e46688). Based on the available evidence, the clinical significance of this variant remains unclear.